The following is an entry in ClinVar:

NM_000179.3(MSH6):c.3830A>T (p.Asp1277Val)

Gene: MSH6 (mutS homolog 6; plus strand). Cytogenetic location: 2p16.3.
Variant type: single nucleotide variant.
Coding change: c.3830A>T on transcript NM_000179.3 (MANE Select); coding-DNA position 3830, A replaced by T.
Protein change: p.Asp1277Val; replaces aspartic acid 1277 with valine.
Molecular consequence: missense variant. On other transcripts: non-coding transcript variant (5), intron variant (1).
Genome position (GRCh38, 1-based): chr2:47,806,480, A>T. VCF-style: chr2-47806480-A-T. GRCh37 (hg19) VCF-style: chr2-48033619-A-T.
Other names: c.3440A>T, p.Asp1147Val (NM_001281492.2); c.2924A>T, p.Asp975Val (NM_001281493.2, NM_001281494.2, NM_001406811.1 and 6 more transcripts); c.3926A>T, p.Asp1309Val (NM_001406795.1); c.3830A>T, p.Asp1277Val (NM_001406796.1, NM_001406808.1, NM_001406809.1); c.3533A>T, p.Asp1178Val (NM_001406797.1, NM_001406801.1, NM_001406805.1 and 10 more transcripts); c.3656A>T, p.Asp1219Val (NM_001406798.1); c.3305A>T, p.Asp1102Val (NM_001406799.1, NM_001406806.1, NM_001406807.1); c.3817A>T, p.Thr1273Ser (NM_001406800.1); and 9 more; short protein forms D1102V, D1147V, D1178V, D1219V, D1221V, D1251V, D1277V, D1279V.
Identifiers: ClinVar variation 3230564 (VCV003230564.1), dbSNP rs2530857174, ClinGen allele CA346761274.

ClinVar aggregate classification (germline): Uncertain significance (1 of 4 stars; one submission).

Conditions:
Hereditary cancer-predisposing syndrome. Also called: Neoplastic Syndromes, Hereditary; Tumor predisposition; Hereditary neoplastic syndrome; Hereditary Cancer Syndrome. Identifiers: Orphanet 140162, MedGen C0027672, MeSH D009386, MONDO:0015356.

Submission:

Ambry Genetics
Classification: Uncertain significance for Hereditary cancer-predisposing syndrome. Last evaluated: 2024-02-16. Review status: criteria provided, single submitter. Criteria: Ambry Variant Classification Scheme 2023. Collection method: clinical testing. Allele origin: germline.
Comment: The p.D1277V variant (also known as c.3830A>T), located in coding exon 9 of the MSH6 gene, results from an A to T substitution at nucleotide position 3830. The aspartic acid at codon 1277 is replaced by valine, an amino acid with highly dissimilar properties. This amino acid position is conserved. In addition, this alteration is predicted to be deleterious by in silico analysis. Based on the available evidence, the clinical significance of this alteration remains unclear.